The following is an entry in ClinVar:

NM_032595.5(PPP1R9B):c.222G>T (p.Ala74=)

Gene: PPP1R9B (protein phosphatase 1 regulatory subunit 9B; minus strand). Cytogenetic location: 17q21.33.
Variant type: single nucleotide variant.
Coding change: c.222G>T on transcript NM_032595.5 (MANE Select); coding-DNA position 222, G replaced by T.
Protein change: p.Ala74=; no amino-acid change (alanine 74 retained).
Molecular consequence: synonymous variant.
Genome position (GRCh38, 1-based): chr17:50,150,292, C>A on the plus strand (G>T on the coding strand, the complement: PPP1R9B is on the minus strand). VCF-style: chr17-50150292-C-A. GRCh37 (hg19) VCF-style: chr17-48227653-C-A.
Identifiers: ClinVar variation 3031776 (VCV003031776.2), dbSNP rs1485177207, ClinGen allele CA500991448.

ClinVar aggregate classification (germline): Likely benign (0 of 4 stars; one submission).

Conditions:
PPP1R9B-related disorder. Also called: PPP1R9B-related condition.

Submission:

PreventionGenetics, part of Exact Sciences
Classification: Likely benign for PPP1R9B-related condition. Last evaluated: 2020-10-20. Review status: no assertion criteria provided. Collection method: clinical testing. Allele origin: germline.
Comment: This variant is classified as likely benign based on ACMG/AMP sequence variant interpretation guidelines (Richards et al. 2015 PMID: 25741868, with internal and published modifications).